The following is an entry in ClinVar:

ClinVar aggregate classification (germline): Uncertain significance (1 of 4 stars; one submission).

Allele frequency attached by ClinVar (database versions not stated): gnomAD 0.00001; gnomAD exomes 0.00002; TOPMed 0.00002.
gnomAD v4.1: 38 of 1,611,474 alleles (0.0024%); highest among the groups gnomAD compares: East Asian, 0.0045%; 1 homozygote.

Submission:

Labcorp Genetics (formerly Invitae), Labcorp
Classification: Uncertain significance. Last evaluated: 2025-06-24. Review status: criteria provided, single submitter. Criteria: Invitae Variant Classification Sherloc (09022015). Collection method: clinical testing. Allele origin: germline.
Comment: This sequence change replaces isoleucine, which is neutral and non-polar, with threonine, which is neutral and polar, at codon 523 of the FOCAD protein (p.Ile523Thr). This variant is present in population databases (no rsID available, gnomAD 0.0009%). This variant has not been reported in the literature in individuals affected with FOCAD-related conditions. ClinVar contains an entry for this variant (Variation ID: 3016941). Experimental studies and prediction algorithms are not available or were not evaluated, and the functional significance of this variant is currently unknown. In summary, the available evidence is currently insufficient to determine the role of this variant in disease. Therefore, it has been classified as a Variant of Uncertain Significance.

NM_001375567.1(FOCAD):c.1568T>C (p.Ile523Thr)

Gene: FOCAD (focadhesin; plus strand). Cytogenetic location: 9p21.3.
Variant type: single nucleotide variant.
Coding change: c.1568T>C on transcript NM_001375567.1 (MANE Select); coding-DNA position 1568, T replaced by C.
Protein change: p.Ile523Thr; replaces isoleucine 523 with threonine.
Molecular consequence: missense variant.
Genome position (GRCh38, 1-based): chr9:20,820,331, T>C. VCF-style: chr9-20820331-T-C. GRCh37 (hg19) VCF-style: chr9-20820330-T-C.
Other names: c.1463T>C, p.Ile488Thr (NM_001375568.1, NM_001375570.1); c.1568T>C, p.Ile523Thr (NM_017794.5); short protein forms I488T, I523T.
Identifiers: ClinVar variation 3016941 (VCV003016941.3), dbSNP rs990425486, ClinGen allele CA190594302.